The following is an entry in ClinVar:

NM_000059.4(BRCA2):c.3811del (p.Ser1271fs)

Gene: BRCA2 (BRCA2 DNA repair associated; plus strand). Cytogenetic location: 13q13.1.
Variant type: Deletion.
Coding change: c.3811del on transcript NM_000059.4 (MANE Select); coding-DNA position 3811, one base deleted (T; older notation c.3811delT).
Protein change: p.Ser1271fs; shifts the reading frame from serine 1271.
Molecular consequence: frameshift variant.
Genome position (GRCh38, 1-based): chr13:32,338,166, T deleted; the last of 3 consecutive T bases (chr13:32,338,164-32,338,166); deleting any one gives the same sequence. VCF-style (leftmost placement, unchanged base first): chr13-32338163-GT-G. GRCh37 (hg19) VCF-style: chr13-32912300-GT-G.
Other names: c.3811delT (NM_000059.3); short protein forms S1271fs.
Identifiers: ClinVar variation 483108 (VCV000483108.5), dbSNP rs1555283405, ClinGen allele CA658656322.
Genomic context (GRCh38, chr13:32,338,163, plus strand): 5'-GAAACTTCTGCAGAGGTACATCCAATAAGTTTATCTTCAAGTAAATGTCATGATTCTGTT[GT>G]TTCAATGTTTAAGATAGAAAATCATAATGATAAAACTGTAAGTGAAAAAAATAATAAATG-3'

ClinVar aggregate classification (germline): Pathogenic (1 of 4 stars; one submission).

Conditions:
Hereditary cancer-predisposing syndrome. Also called: Neoplastic Syndromes, Hereditary; Tumor predisposition; Hereditary Cancer Syndrome; Hereditary neoplastic syndrome. Identifiers: Orphanet 140162, MedGen C0027672, MeSH D009386, MONDO:0015356.

Submission:

Ambry Genetics
Classification: Pathogenic for Hereditary cancer-predisposing syndrome. Last evaluated: 2017-05-31. Review status: criteria provided, single submitter. Criteria: Ambry Variant Classification Scheme 2023. Collection method: clinical testing. Allele origin: germline.
Comment: The c.3811delT pathogenic mutation, located in coding exon 10 of the BRCA2 gene, results from a deletion of one nucleotide at nucleotide position 3811, causing a translational frameshift with a predicted alternate stop codon (p.S1271Qfs*5). This alteration is expected to result in loss of function by premature protein truncation or nonsense-mediated mRNA decay. As such, this alteration is interpreted as a disease-causing mutation.